The following is an entry in ClinVar:

NM_031935.3(HMCN1):c.14467T>C (p.Trp4823Arg)

Gene: HMCN1 (hemicentin 1; plus strand). Cytogenetic location: 1q31.1.
Variant type: single nucleotide variant.
Coding change: c.14467T>C on transcript NM_031935.3 (MANE Select); coding-DNA position 14467, T replaced by C.
Protein change: p.Trp4823Arg; replaces tryptophan 4823 with arginine.
Molecular consequence: missense variant.
Genome position (GRCh38, 1-based): chr1:186,145,782, T>C. VCF-style: chr1-186145782-T-C. GRCh37 (hg19) VCF-style: chr1-186114914-T-C.
Other names: short protein forms W4823R.
Identifiers: ClinVar variation 1415544 (VCV001415544.6), dbSNP rs2102558306, ClinGen allele CA343917326.
Genomic context (GRCh38, chr1:186,145,782, plus strand): 5'-TTAACAGTGACCATTCCATTCTTGTTCACAGTGGATGGAAGTTGGGGAAGCTGGCATAGT[T>C]GGAGCCAGTGCTCTGCCTCCTGTGGAGGAGGTGAAAAGACTCGGAAGCGGCTGTGCGACC-3'
Protein context (NP_114141.2, residues 4813-4833): VDGSWGSWHS[Trp4823Arg]SQCSASCGGG

ClinVar aggregate classification (germline): Uncertain significance (1 of 4 stars; one submission).

Allele frequency attached by ClinVar (database versions not stated): gnomAD exomes below 0.00001.
gnomAD v4.1: 1 of 1,614,162 alleles (0.000062%); highest among the groups gnomAD compares: Non-Finnish European, 0.000085%; no homozygotes.

Submission:

Labcorp Genetics (formerly Invitae), Labcorp
Classification: Uncertain significance. Last evaluated: 2023-07-17. Review status: criteria provided, single submitter. Criteria: Invitae Variant Classification Sherloc (09022015). Collection method: clinical testing. Allele origin: germline.
Comment: This variant is not present in population databases (gnomAD no frequency). In summary, the available evidence is currently insufficient to determine the role of this variant in disease. Therefore, it has been classified as a Variant of Uncertain Significance. An algorithm developed to predict the effect of missense changes on protein structure and function (PolyPhen-2) suggests that this variant is likely to be disruptive. ClinVar contains an entry for this variant (Variation ID: 1415544). This variant has not been reported in the literature in individuals affected with HMCN1-related conditions. This sequence change replaces tryptophan, which is neutral and slightly polar, with arginine, which is basic and polar, at codon 4823 of the HMCN1 protein (p.Trp4823Arg).